The following is an entry in ClinVar:

ClinVar aggregate classification (germline): Uncertain significance (1 of 4 stars; one submission).

Conditions:
Agammaglobulinemia 7, autosomal recessive (AGM7). Also called: AGAMMAGLOBULINEMIA, AUTOSOMAL RECESSIVE, DUE TO PIK3R1 DEFECT. Identifiers: MedGen C3554689, MONDO:0014083, OMIM 615214.
Immunodeficiency 36 with lymphoproliferation. Also called: Immunodeficiency 36; ACTIVATED PI3K-DELTA SYNDROME 2; Activated PI3K Delta Syndrome Type 2 (APDS2). Identifiers: Orphanet 397596, Orphanet 693681, MedGen C4014934, MONDO:0014453, OMIM 616005.
SHORT syndrome. Also called: SHORT STATURE, HYPEREXTENSIBILITY, HERNIA, OCULAR DEPRESSION, RIEGER ANOMALY, AND TEETHING DELAY; LIPODYSTROPHY, PARTIAL, WITH RIEGER ANOMALY AND SHORT STATURE; PIK3R1-Related SHORT Syndrome. Identifiers: Orphanet 3163, MedGen C0878684, MONDO:0010026, OMIM 269880.

Submission:

Labcorp Genetics (formerly Invitae), Labcorp
Classification: Uncertain significance for SHORT syndrome; Immunodeficiency 36 with lymphoproliferation; Agammaglobulinemia 7, autosomal recessive. Last evaluated: 2024-11-25. Review status: criteria provided, single submitter. Criteria: Invitae Variant Classification Sherloc (09022015). Collection method: clinical testing. Allele origin: germline.
Comment: This sequence change replaces proline, which is neutral and non-polar, with serine, which is neutral and polar, at codon 170 of the PIK3R1 protein (p.Pro170Ser). This variant is present in population databases (rs747050262, gnomAD 0.01%). This variant has not been reported in the literature in individuals affected with PIK3R1-related conditions. An algorithm developed to predict the effect of missense changes on protein structure and function outputs the following: PolyPhen-2: "Benign". The serine amino acid residue is found in multiple mammalian species, which suggests that this missense change does not adversely affect protein function. In summary, the available evidence is currently insufficient to determine the role of this variant in disease. Therefore, it has been classified as a Variant of Uncertain Significance.

NM_181523.3(PIK3R1):c.508C>T (p.Pro170Ser)

Gene: PIK3R1 (phosphoinositide-3-kinase regulatory subunit 1; plus strand). Cytogenetic location: 5q13.1.
Variant type: single nucleotide variant.
Coding change: c.508C>T on transcript NM_181523.3 (MANE Select); coding-DNA position 508, C replaced by T.
Protein change: p.Pro170Ser; replaces proline 170 with serine.
Molecular consequence: missense variant.
Genome position (GRCh38, 1-based): chr5:68,279,607, C>T. VCF-style: chr5-68279607-C-T. GRCh37 (hg19) VCF-style: chr5-67575435-C-T.
Other names: short protein forms P170S.
Identifiers: ClinVar variation 3762031 (VCV003762031.2).